The following is an entry in ClinVar:

ClinVar aggregate classification (germline): Conflicting classifications of pathogenicity. Review status: criteria provided, conflicting classifications (1 of 4 stars). 12 submissions from 11 submitters: Uncertain significance (7); Likely benign (3). 2 of the submissions do not count toward it. Last evaluated 2026-01-27.

Conditions:
FH-related disorder. Also called: FH-related disorders; FH-related condition.
Hereditary cancer-predisposing syndrome. Also called: Hereditary neoplastic syndrome; Tumor predisposition; Hereditary Cancer Syndrome; Neoplastic Syndromes, Hereditary. Identifiers: Orphanet 140162, MedGen C0027672, MeSH D009386, MONDO:0015356.
Hereditary leiomyomatosis and renal cell cancer. Also called: MULTIPLE CUTANEOUS AND UTERINE LEIOMYOMATA 1, WITH OR WITHOUT RENAL CELL CARCINOMA; Multiple cutaneous leiomyomas; Reed syndrome; Multiple cutaneous and uterine leiomyomatosis; Cutaneous leiomyomata with uterine leiomyomata; Leiomyoma, hereditary multiple, of skin. Identifiers: Orphanet 523, MedGen C1708350, MONDO:0007888, OMIM 150800, HP:0007437. Disease mechanism: loss of function.
Fumarase deficiency (FMRD). Also called: Fumarate Hydratase Deficiency; Fumaric aciduria. Identifiers: Orphanet 24, MedGen C0342770, MONDO:0011730, OMIM 606812.

Allele frequency attached by ClinVar (database versions not stated): ExAC 0.00002; gnomAD 0.00004; gnomAD exomes 0.00005 and 0.00011; TOPMed 0.00006; ESP Exome Variant Server 0.00008.
gnomAD v4.1: 169 of 1,613,986 alleles (0.01%); highest among the groups gnomAD compares: Non-Finnish European, 0.014%; no homozygotes.

Submissions (12):

Labcorp Genetics (formerly Invitae), Labcorp
Classification: Uncertain significance. Last evaluated: 2026-01-27. Review status: criteria provided, single submitter. Criteria: Invitae Variant Classification Sherloc (09022015). Collection method: clinical testing. Allele origin: germline.
Comment: This sequence change replaces isoleucine, which is neutral and non-polar, with phenylalanine, which is neutral and non-polar, at codon 116 of the FH protein (p.Ile116Phe). This variant is present in population databases (rs201532589, gnomAD 0.01%). This missense change has been observed in individual(s) with FH-related conditions (PMID: 35441217, 36773955). ClinVar contains an entry for this variant (Variation ID: 41582). Invitae Evidence Modeling of protein sequence and biophysical properties (such as structural, functional, and spatial information, amino acid conservation, physicochemical variation, residue mobility, and thermodynamic stability) indicates that this missense variant is expected to disrupt FH protein function with a positive predictive value of 95%. In summary, the available evidence is currently insufficient to determine the role of this variant in disease. Therefore, it has been classified as a Variant of Uncertain Significance.

PreventionGenetics, part of Exact Sciences
Classification: Uncertain significance for FH-related condition. Last evaluated: 2025-07-30. Review status: criteria provided, single submitter. Criteria: ACMG Guidelines, 2015. Collection method: clinical testing. Allele origin: germline.
Comment: The FH c.346A>T variant is predicted to result in the amino acid substitution p.Ile116Phe. This variant was reported in an individual with renal cell carcinoma (Supplementary Table 1B, Yngvadottir et al. 2022. PubMed ID: 35441217). This variant is reported in 0.0077% of alleles in individuals of European (Non-Finnish) descent in gnomAD. This variant has interpretations ranging from likely benign to uncertain significance in ClinVar (Variation ID: 41582). At this time, the clinical significance of this variant is uncertain due to the absence of conclusive functional and genetic evidence.

GeneDx
Classification: Uncertain significance. Last evaluated: 2024-12-27. Review status: criteria provided, single submitter. Criteria: GeneDx Variant Classification Process June 2021. Collection method: clinical testing. Allele origin: germline. Affected: yes.
Comment: Not observed at significant frequency in large population cohorts (gnomAD); In silico analysis supports that this missense variant has a deleterious effect on protein structure/function; Observed in individuals with breast and other cancers, as well as an individual with pheochromocytoma/paraganglioma but also in unaffected controls (PMID: 28873162, 29684080, 36773955, 35441217); This variant is associated with the following publications: (PMID: 29684080, 28873162, 22703879, 36773955, 35441217, Melli2025[CaseReport])

Quest Diagnostics Nichols Institute San Juan Capistrano
Classification: Uncertain significance. Last evaluated: 2024-10-21. Review status: criteria provided, single submitter. Criteria: Quest Diagnostics criteria. Collection method: clinical testing. Allele origin: unknown.
Comment: The FH c.346A>T (p.Ile116Phe) variant has been reported in the published literature in individuals with renal cell carcinoma (PMID: 35441217 (2022)), paraganglioma (PGL) and pheochromocytoma (PCC) (PMID: 36773955 (2023)), unaffected individuals (PMID: 36773955 (2023)), and individuals undergoing genetic testing (PMIDs: 22703879 (2012), 28873162 (2017)). The frequency of this variant in the general population, 0.000077 (10/129168 chromosomes (Genome Aggregation Database)), is uninformative in the assessment of its pathogenicity. Analysis of this variant using bioinformatics tools for the prediction of the effect of amino acid changes on protein structure and function yielded predictions that this variant is damaging. Based on the available information, we are unable to determine the clinical significance of this variant.

Myriad Genetics, Inc.
Classification: Likely benign for Hereditary leiomyomatosis and renal cell cancer. Last evaluated: 2024-10-17. Review status: criteria provided, single submitter. Criteria: Myriad Autosomal Dominant, Autosomal Recessive and X-Linked Classification Criteria (2023). Collection method: clinical testing. Allele origin: unknown.
Comment: This variant is considered likely benign. This variant has been observed at a population frequency that is significantly greater than expected given the associated disease prevalence and penetrance.

Baylor Genetics
Classification: Uncertain significance for Fumarase deficiency. Last evaluated: 2024-03-29. Review status: criteria provided, single submitter. Criteria: ACMG Guidelines, 2015. Collection method: clinical testing. Allele origin: unknown.

Mayo Clinic Laboratories, Mayo Clinic
Classification: Uncertain significance. Last evaluated: 2024-03-15. Review status: criteria provided, single submitter. Criteria: ACMG Guidelines, 2015. Collection method: clinical testing. Allele origin: germline. Observed: 1 variant allele.
Comment: PM2_moderate

Ambry Genetics
Classification: Likely benign for Hereditary cancer-predisposing syndrome. Last evaluated: 2020-10-05. Review status: criteria provided, single submitter. Criteria: Ambry Variant Classification Scheme 2023. Collection method: clinical testing. Allele origin: germline.

Illumina Laboratory Services, Illumina
Classification: Uncertain significance for Fumarase deficiency. Last evaluated: 2018-01-13. Review status: criteria provided, single submitter. Criteria: ICSL Variant Classification Criteria 13 December 2019. Collection method: clinical testing. Allele origin: germline.

Illumina Laboratory Services, Illumina
Classification: Likely benign for Hereditary leiomyomatosis and renal cell cancer. Last evaluated: 2018-01-13. Review status: criteria provided, single submitter. Criteria: ICSL Variant Classification Criteria 13 December 2019. Collection method: clinical testing. Allele origin: germline.
Comment: This variant was observed in the ICSL laboratory as part of a predisposition screen in an ostensibly healthy population. It had not been previously curated by ICSL or reported in the Human Gene Mutation Database (HGMD: prior to June 1st, 2018), and was therefore a candidate for classification through an automated scoring system. Utilizing variant allele frequency, disease prevalence and penetrance estimates, and inheritance mode, an automated score was calculated to assess if this variant is too frequent to cause the disease. Based on the score and internal cut-off values, a variant classified as likely benign is not then subjected to further curation. The score for this variant resulted in a classification of likely benign for this disease.

Natera, Inc.
Classification: Uncertain significance for Fumarase deficiency. Last evaluated: 2020-09-16. Review status: no assertion criteria provided. Collection method: clinical testing. Allele origin: germline. Not counted in ClinVar's aggregate classification.

Biesecker Lab/Clinical Genomics Section, National Institutes of Health
Classification: Uncertain significance. Last evaluated: 2012-07-13. Review status: no assertion criteria provided. Collection method: research. Allele origin: germline. Affected: no. Observed: 1 variant allele. Study: ClinSeq. Not counted in ClinVar's aggregate classification.
ClinVar note: Converted during submission from variant of unknown significance to Uncertain significance.

Literature cited by the submitters: PubMed 35441217 (cited by Labcorp Genetics (formerly Invitae), Labcorp and Quest Diagnostics Nichols Institute San Juan Capistrano); PubMed 36773955 (cited by Labcorp Genetics (formerly Invitae), Labcorp and Quest Diagnostics Nichols Institute San Juan Capistrano); PubMed 28873162 (cited by Quest Diagnostics Nichols Institute San Juan Capistrano); PubMed 29684080 (cited by Quest Diagnostics Nichols Institute San Juan Capistrano); PubMed 32612247 (cited by Quest Diagnostics Nichols Institute San Juan Capistrano); PubMed 27377421 (cited by Quest Diagnostics Nichols Institute San Juan Capistrano).

NM_000143.4(FH):c.346A>T (p.Ile116Phe)

Gene: FH (fumarate hydratase; minus strand). Cytogenetic location: 1q43.
Variant type: single nucleotide variant.
Coding change: c.346A>T on transcript NM_000143.4 (MANE Select); coding-DNA position 346, A replaced by T.
Protein change: p.Ile116Phe; replaces isoleucine 116 with phenylalanine.
Molecular consequence: missense variant.
Genome position (GRCh38, 1-based): chr1:241,513,635, T>A on the plus strand (A>T on the coding strand, the complement: FH is on the minus strand). VCF-style: chr1-241513635-T-A. GRCh37 (hg19) VCF-style: chr1-241676935-T-A.
Other names: short protein forms I116F.
Identifiers: ClinVar variation 41582 (VCV000041582.35), dbSNP rs201532589, ClinGen allele CA215560.